The following is an entry in ClinVar:

NM_000179.3(MSH6):c.742C>T (p.Arg248Ter)

Gene: MSH6 (mutS homolog 6; plus strand). Cytogenetic location: 2p16.3.
Variant type: single nucleotide variant.
Coding change: c.742C>T on transcript NM_000179.3 (MANE Select); coding-DNA position 742, C replaced by T.
Protein change: p.Arg248Ter; replaces arginine 248 with a stop codon.
Molecular consequence: nonsense. On other transcripts: 5 prime UTR variant (2).
Genome position (GRCh38, 1-based): chr2:47,798,725, C>T. VCF-style: chr2-47798725-C-T. GRCh37 (hg19) VCF-style: chr2-48025864-C-T.
Other names: p.Arg248*; c.352C>T, p.Arg118Ter (NM_001281492.2); c.-165C>T (NM_001281493.2, NM_001281494.2); short protein forms R248*, R118*.
Identifiers: ClinVar variation 89563 (VCV000089563.40), dbSNP rs63749980, ClinGen allele CA016391.

ClinVar aggregate classification (germline): Pathogenic. Review status: reviewed by expert panel (3 of 4 stars). 16 submissions from 16 submitters: Pathogenic (1). 15 of the submissions do not count toward it. Last evaluated 2013-09-05.

Conditions:
Hereditary nonpolyposis colon cancer (HNPCC). Also called: Hereditary nonpolyposis colorectal cancer; Familial nonpolyposis colon cancer; Hereditary Nonpolyposis Colorectal Cancer Syndrome. Identifiers: Orphanet 443909, MedGen C1333990, MONDO:0018630. Disease mechanism: loss of function.
Lynch syndrome. Identifiers: Orphanet 144, MedGen C4552100, MONDO:0005835. Disease mechanism: loss of function.
Lynch syndrome 5 (LYNCH5). Also called: Colorectal cancer, hereditary nonpolyposis, type 5; Hereditary non-polyposis colorectal cancer, type 5. Identifiers: Orphanet 144, MedGen C1833477, MONDO:0013710, OMIM 614350. Disease mechanism: loss of function.
Endometrial carcinoma. Also called: Endometrial carcinoma, somatic. Identifiers: MedGen C0476089, MONDO:0002447, OMIM 608089, HP:0012114.
MSH6-related disorder. Also called: MSH6-Related disorders; MSH6-related condition.
Hereditary nonpolyposis colorectal neoplasms. Identifiers: MedGen C0009405, MeSH D003123.
Hereditary cancer-predisposing syndrome. Also called: Neoplastic Syndromes, Hereditary; Hereditary Cancer Syndrome; Tumor predisposition; Hereditary neoplastic syndrome. Identifiers: Orphanet 140162, MedGen C0027672, MeSH D009386, MONDO:0015356.

gnomAD v4.1: 2 of 1,614,068 alleles (0.00012%); highest among the groups gnomAD compares: Non-Finnish European, 0.00017%; no homozygotes.

Submissions 1 to 10 of 16:

International Society for Gastrointestinal Hereditary Tumours (InSiGHT)
Classification: Pathogenic for Lynch Syndrome. Last evaluated: 2013-09-05. Review status: reviewed by expert panel. Criteria: Guidelines v1.9. Collection method: research. Allele origin: germline.
Comment: Coding sequence variation resulting in a stop codon

Classified with v1.9 guidelines

Color Diagnostics, LLC DBA Color Health
Classification: Pathogenic for Hereditary cancer-predisposing syndrome. Last evaluated: 2025-11-03. Review status: criteria provided, single submitter. Criteria: ACMG Guidelines, 2015. Collection method: clinical testing. Allele origin: germline. Not counted in ClinVar's aggregate classification.
Comment: This variant changes 1 nucleotide in exon 4 of the MSH6 gene, creating a premature translation stop signal. This variant is expected to result in an absent or non-functional protein product. This variant has been reported in individuals and families affected with Lynch syndrome, with tumor analyses showing microsatellite instability and/or loss of MSH6 protein by immunohistochemistry analyses (PMID: 10508506, 12547705, 18301448, 33937060). This variant has not been identified in the general population by the Genome Aggregation Database (gnomAD). Loss of MSH6 function is a known mechanism of disease. Based on the available evidence, this variant is classified as Pathogenic.

Labcorp Genetics (formerly Invitae), Labcorp
Classification: Pathogenic for Hereditary nonpolyposis colorectal neoplasms. Last evaluated: 2025-10-18. Review status: criteria provided, single submitter. Criteria: Invitae Variant Classification Sherloc (09022015). Collection method: clinical testing. Allele origin: germline. Not counted in ClinVar's aggregate classification.
Comment: This sequence change creates a premature translational stop signal (p.Arg248*) in the MSH6 gene. It is expected to result in an absent or disrupted protein product. Loss-of-function variants in MSH6 are known to be pathogenic (PMID: 18269114, 24362816). This variant is not present in population databases (gnomAD no frequency). This premature translational stop signal has been observed in individual(s) with Lynch syndrome (PMID: 10508506, 18301448). Invitae Evidence Modeling of clinical and family history, age, sex, and reported ancestry of multiple individuals with this MSH6 variant has been performed. This variant is expected to be pathogenic with a positive predictive value of at least 99%. This is a validated machine learning model that incorporates the clinical features of 1,627,235 individuals referred to our laboratory for MSH6 testing. ClinVar contains an entry for this variant (Variation ID: 89563). For these reasons, this variant has been classified as Pathogenic.

GeneDx
Classification: Pathogenic. Last evaluated: 2025-08-27. Review status: criteria provided, single submitter. Criteria: GeneDx Variant Classification Process June 2021. Collection method: clinical testing. Allele origin: germline. Affected: yes. Not counted in ClinVar's aggregate classification.
Comment: Nonsense variant predicted to result in protein truncation or nonsense mediated decay in a gene for which loss of function is a known mechanism of disease; Observed in individuals with a personal and/or family history of MSH6-related cancers (PMID: 10508506, 18301448, 33937060); Truncating variants in this gene are considered pathogenic by a well-established clinical consortium and/or database; Not observed at significant frequency in large population cohorts (gnomAD); This variant is associated with the following publications: (PMID: 25525159, 33087929, 33937060, 30787465, 10508506, 15236168, 12547705, 20028993, 18301448, 29625052, 28502729, 37728764, 33309985)

Center for Genomic Medicine, Rigshospitalet, Copenhagen University Hospital
Classification: Pathogenic. Last evaluated: 2025-03-04. Review status: criteria provided, single submitter. Criteria: ACMG Guidelines, 2015. Collection method: clinical testing. Allele origin: germline. Not counted in ClinVar's aggregate classification.

Quest Diagnostics Nichols Institute San Juan Capistrano
Classification: Pathogenic. Last evaluated: 2024-10-15. Review status: criteria provided, single submitter. Criteria: Quest Diagnostics criteria. Collection method: clinical testing. Allele origin: unknown. Not counted in ClinVar's aggregate classification.
Comment: The MSH6 c.742C>T (p.Arg248*) variant causes the premature termination of MSH6 protein synthesis. This variant has been reported in the published literature in multiple individuals with Lynch syndrome (PMID: 10508506 (1999), 12547705 (2003), 18301448 (2008), 33937060 (2021)) and Lynch syndrome-associated cancers such as breast cancer (PMID: 33471991 (2021)) and endometrial cancer (PMID: 31307542 (2019)). This variant has not been reported in large, multi-ethnic general populations (Genome Aggregation Database). Based on the available information, this variant is classified as pathogenic.

Ambry Genetics
Classification: Pathogenic for Hereditary cancer-predisposing syndrome. Last evaluated: 2024-09-16. Review status: criteria provided, single submitter. Criteria: Ambry Variant Classification Scheme 2023. Collection method: clinical testing. Allele origin: germline. Not counted in ClinVar's aggregate classification.
Comment: The p.R248* pathogenic mutation (also known as c.742C>T), located in coding exon 4 of the MSH6 gene, results from a C to T substitution at nucleotide position 742. This changes the amino acid from an arginine to a stop codon within coding exon 4. This alteration has been reported in multiple individuals with Lynch syndrome-associated cancers (Wijnen J et al. Nat. Genet. 1999 Oct;23(2):142-4; Steinke V et al. Eur. J. Hum. Genet. 2008 May;16(5):587-92; Chao X et al. Cancer Commun (Lond), 2019 07;39:42; Tsukanov AS et al. Front Oncol, 2021 Apr;11:652696). This variant is considered to be rare based on population cohorts in the Genome Aggregation Database (gnomAD). In addition to the clinical data presented in the literature, this alteration is expected to result in loss of function by premature protein truncation or nonsense-mediated mRNA decay. As such, this alteration is interpreted as a disease-causing mutation.

Blueprint Genetics
Classification: Pathogenic for MSH6-related disorders. Last evaluated: 2024-05-29. Review status: criteria provided, single submitter. Criteria: ACMG Guidelines, 2015. Collection method: clinical testing. Allele origin: germline. Affected: yes. Observed: 2 variant alleles. Not counted in ClinVar's aggregate classification.

Women's Health and Genetics/Laboratory Corporation of America, LabCorp
Classification: Pathogenic for Hereditary nonpolyposis colon cancer. Last evaluated: 2023-12-04. Review status: criteria provided, single submitter. Criteria: LabCorp Variant Classification Summary - May 2015. Collection method: clinical testing. Allele origin: germline. Not counted in ClinVar's aggregate classification.
Comment: Variant summary: MSH6 c.742C>T (p.Arg248X) results in a premature termination codon, predicted to cause a truncation of the encoded protein or absence of the protein due to nonsense mediated decay, which are commonly known mechanisms for disease. Truncations downstream of this position have been classified as pathogenic by our laboratory (eg. c.892C>T, p.Arg298X; c.1135_1139delAGAGA, p.Arg379X; c.1190_1191delAT, p.Tyr397fsX3). The variant was absent in 276846 control chromosomes (gnomAD). c.742C>T has been reported in the literature in individuals affected with Lynch Syndrome; analysis of tumor samples showed loss of MSH6 protein expression via immunohistochemistry and high microsatellite instability (Tsukanov_2021, Steinke_2008, Hendriks_2003, Wijnen_1999). These data indicate that the variant is likely associated with disease. The following publications have been ascertained in the context of this evaluation (PMID: 12547705, 15236168, 28152038, 18301448, 33937060, 10508506). Seven submitters have cited clinical-significance assessments for this variant to ClinVar after 2014; all submitters classified the variant as pathogenic/likely pathogenic. Based on the evidence outlined above, the variant was classified as pathogenic.

Myriad Genetics, Inc.
Classification: Pathogenic for Lynch syndrome 5. Last evaluated: 2023-08-10. Review status: criteria provided, single submitter. Criteria: Myriad Autosomal Dominant, Autosomal Recessive and X-Linked Classification Criteria (2023). Collection method: clinical testing. Allele origin: unknown. Not counted in ClinVar's aggregate classification.
Comment: This variant is considered pathogenic. This variant creates a termination codon and is predicted to result in premature protein truncation.